The following is an entry in ClinVar:

ClinVar aggregate classification (germline): Likely benign. Review status: criteria provided, multiple submitters, no conflicts (2 of 4 stars). 2 submissions from 2 submitters: Likely benign (2). Last evaluated 2026-06-30.

Conditions:
LHX3-related disorder. Also called: LHX3-related condition.

gnomAD v4.1: 2 of 1,588,148 alleles (0.00013%); highest among the groups gnomAD compares: Non-Finnish European, 0.00017%; no homozygotes.

Submissions (2):

PreventionGenetics, part of Exact Sciences
Classification: Likely benign for LHX3-related condition. Last evaluated: 2026-06-30. Review status: criteria provided, single submitter. Criteria: ACMG Guidelines, 2015. Collection method: clinical testing. Allele origin: germline.
Comment: This variant is classified as likely benign based on ACMG/AMP sequence variant interpretation guidelines (Richards et al. 2015 PMID: 25741868, with internal and published modifications).

Labcorp Genetics (formerly Invitae), Labcorp
Classification: Likely benign. Last evaluated: 2023-06-28. Review status: criteria provided, single submitter. Criteria: Invitae Variant Classification Sherloc (09022015). Collection method: clinical testing. Allele origin: germline.

NM_178138.6(LHX3):c.576C>G (p.Ser192=)

Gene: LHX3 (LIM homeobox 3; minus strand). Cytogenetic location: 9q34.3.
Variant type: single nucleotide variant.
Coding change: c.576C>G on transcript NM_178138.6 (MANE Select); coding-DNA position 576, C replaced by G.
Protein change: p.Ser192=; no amino-acid change (serine 192 retained).
Molecular consequence: synonymous variant.
Genome position (GRCh38, 1-based): chr9:136,198,938, G>C on the plus strand (C>G on the coding strand, the complement: LHX3 is on the minus strand). VCF-style: chr9-136198938-G-C. GRCh37 (hg19) VCF-style: chr9-139090784-G-C.
Other names: c.543C>G, p.Ser181= (NM_001363746.1); c.591C>G, p.Ser197= (NM_014564.5); c.591C>G (NM_014564.4).
Identifiers: ClinVar variation 1079174 (VCV001079174.10), dbSNP rs1300654867, ClinGen allele CA467824332.